The following is an entry in ClinVar:

ClinVar aggregate classification (germline): Pathogenic. Review status: criteria provided, single submitter (1 of 4 stars). 2 submissions from 2 submitters: Pathogenic (1). 1 of the submissions does not count toward it. Last evaluated 2023-01-24.

Conditions:
Usher syndrome type 1F (USH1F). Also called: USHER SYNDROME, TYPE IF. Identifiers: Orphanet 231169, Orphanet 886, MedGen C1865885, MONDO:0011186, OMIM 602083.

Allele frequency attached by ClinVar (database versions not stated): gnomAD exomes below 0.00001.
gnomAD v4.1: 1 of 1,607,334 alleles (0.000062%); highest among the groups gnomAD compares: South Asian, 0.0011%; no homozygotes.

Submissions (2):

Broad Center for Mendelian Genomics, Broad Institute of MIT and Harvard
Classification: Pathogenic for Usher syndrome type 1F. Last evaluated: 2023-01-24. Review status: criteria provided, single submitter. Criteria: ACMG Guidelines, 2015. Collection method: curation. Allele origin: germline. Inheritance: Autosomal recessive inheritance.
Comment: The c.3718-2A>G variant in PCDH15 has been reported in 1 individual, in the homozygous state, with Usher syndrome type 1F (PMID: 11398101), segregated with disease in 2 affected relative from 1 family (PMID: 11398101), and has been identified in 0.003% (1/30608) of South Asian chromosomes by the Genome Aggregation Database (gnomAD; dbSNP ID: rs1307471318). Although this variant has been seen in the general population in a heterozygous state, its frequency is low enough to be consistent with a recessive carrier frequency. This variant is located in the 5' splice region. Computational tools predict a splicing impact, though this information is not predictive enough to determine pathogenicity. Loss of function of the PCDH15 gene is an established disease mechanism in autosomal recessive Usher syndrome type 1F. In summary, this variant meets criteria to be classified as pathogenic for autosomal recessive Usher syndrome type 1F. ACMG/AMP Criteria applied: PM2_supporting, PVS1, PM3_supporting, PP1_moderate (Richards 2015).

OMIM
Classification: Pathogenic for USHER SYNDROME, TYPE IF. Last evaluated: 2001-07-01. Review status: no assertion criteria provided. Collection method: literature only. Allele origin: germline. Not counted in ClinVar's aggregate classification.

Literature cited by the submitters: PubMed 11398101 (cited by OMIM).

NM_001384140.1(PCDH15):c.3718-2A>G

Gene: PCDH15 (protocadherin related 15; minus strand). Cytogenetic location: 10q21.1.
Variant type: single nucleotide variant.
Coding change: c.3718-2A>G on transcript NM_001384140.1 (MANE Select); the canonical splice acceptor site of the intron before coding-DNA position 3718, A replaced by G.
Molecular consequence: splice acceptor variant.
Genome position (GRCh38, 1-based): chr10:53,857,265, T>C on the plus strand (A>G on the coding strand, the complement: PCDH15 is on the minus strand). VCF-style: chr10-53857265-T-C. GRCh37 (hg19) VCF-style: chr10-55617025-T-C.
Other names: IVS27, A-G, -2; c.3718-2A>G (NM_001354420.2, NM_001354429.2, NM_001142772.2 and 4 more transcripts); c.3733-2A>G (NM_001142771.2, NM_001142763.2); c.3739-2A>G (NM_001354411.2); c.3754-2A>G (NM_001142769.3); c.3652-2A>G (NM_001354404.2, NM_001142773.2, NM_001142768.2); c.3607-2A>G (NM_001142767.2); c.3505-2A>G (NM_001142765.2).
Identifiers: ClinVar variation 4930 (VCV000004930.5), dbSNP rs1307471318, ClinGen allele CA16044084.
Genomic context (GRCh38, chr10:53,857,265, plus strand): 5'-AGAGTAGGAGGCACATTGGAAACAATGACTTGCATATCCAGCTGATTGACCACGGAGACC[T>C]GAAAGAAGAAAAAACAGAATTCATTTAATTTTTACTCACTGAAATTTCCATAATCAGAAA-3'